The following is an entry in ClinVar:

NM_002291.3(LAMB1):c.1607T>C (p.Ile536Thr)

Gene: LAMB1 (laminin subunit beta 1; minus strand). Cytogenetic location: 7q31.1.
Variant type: single nucleotide variant.
Coding change: c.1607T>C on transcript NM_002291.3 (MANE Select); coding-DNA position 1607, T replaced by C.
Protein change: p.Ile536Thr; replaces isoleucine 536 with threonine.
Molecular consequence: missense variant.
Genome position (GRCh38, 1-based): chr7:107,964,643, A>G on the plus strand (T>C on the coding strand, the complement: LAMB1 is on the minus strand). VCF-style: chr7-107964643-A-G. GRCh37 (hg19) VCF-style: chr7-107605088-A-G.
Other names: short protein forms I536T.
Identifiers: ClinVar variation 3608930 (VCV003608930.2).
Genomic context (GRCh38, chr7:107,964,643, plus strand): 5'-AGGTAGTGATCCAGGGTGGCAAAGTAGTAACCAGGTTCCACTTCGTTGCACTGACGTCCA[A>G]TCATGTGAGGCCGGCATGAGCACTGGCCTGACTCCGCAAAGCAACTGGAAGGGAGGAGGA-3'
Protein context (NP_002282.2, residues 526-546): SGQCSCRPHM[Ile536Thr]GRQCNEVEPG

ClinVar aggregate classification (germline): Uncertain significance (1 of 4 stars; one submission).

gnomAD v4.1: 21 of 1,613,998 alleles (0.0013%); highest among the groups gnomAD compares: South Asian, 0.0033%; no homozygotes.

Submission:

Labcorp Genetics (formerly Invitae), Labcorp
Classification: Uncertain significance. Last evaluated: 2024-12-17. Review status: criteria provided, single submitter. Criteria: Invitae Variant Classification Sherloc (09022015). Collection method: clinical testing. Allele origin: germline.
Comment: This sequence change replaces isoleucine, which is neutral and non-polar, with threonine, which is neutral and polar, at codon 536 of the LAMB1 protein (p.Ile536Thr). This variant is present in population databases (no rsID available, gnomAD 0.002%). This variant has not been reported in the literature in individuals affected with LAMB1-related conditions. An algorithm developed to predict the effect of missense changes on protein structure and function (PolyPhen-2) suggests that this variant is likely to be tolerated. In summary, the available evidence is currently insufficient to determine the role of this variant in disease. Therefore, it has been classified as a Variant of Uncertain Significance.